The following is an entry in ClinVar:

ClinVar aggregate classification (germline): Likely pathogenic. Review status: criteria provided, multiple submitters, no conflicts (2 of 4 stars). 2 submissions from 2 submitters: Likely pathogenic (2). Last evaluated 2023-07-01.

Conditions:
Pituitary adenoma 5, multiple types. Identifiers: MedGen C4539685, MONDO:0054601, OMIM 617540.

Submissions (2):

Baylor Genetics
Classification: Likely pathogenic for Pituitary adenoma 5, multiple types. Last evaluated: 2023-07-01. Review status: criteria provided, single submitter. Criteria: ACMG Guidelines, 2015. Collection method: clinical testing. Allele origin: unknown.

Labcorp Genetics (formerly Invitae), Labcorp
Classification: Likely pathogenic. Last evaluated: 2021-08-18. Review status: criteria provided, single submitter. Criteria: Invitae Variant Classification Sherloc (09022015). Collection method: clinical testing. Allele origin: germline.
Comment: In summary, the currently available evidence indicates that the variant is pathogenic, but additional data are needed to prove that conclusively. Therefore, this variant has been classified as Likely Pathogenic. Algorithms developed to predict the effect of sequence changes on RNA splicing suggest that this variant may disrupt the consensus splice site. This variant has not been reported in the literature in individuals affected with CDH23-related conditions. This variant is not present in population databases (ExAC no frequency). This sequence change affects an acceptor splice site in intron 8 of the CDH23 gene. It is expected to disrupt RNA splicing. Variants that disrupt the donor or acceptor splice site typically lead to a loss of protein function (PMID: 16199547), and loss-of-function variants in CDH23 are known to be pathogenic (PMID: 11138009, 21940737).

Literature cited by the submitters: PubMed 16199547 (cited by Labcorp Genetics (formerly Invitae), Labcorp); PubMed 11138009 (cited by Labcorp Genetics (formerly Invitae), Labcorp); PubMed 21940737 (cited by Labcorp Genetics (formerly Invitae), Labcorp).

NM_022124.6(CDH23):c.754-2A>G

Gene: CDH23 (cadherin related 23; plus strand). Cytogenetic location: 10q22.1.
Variant type: single nucleotide variant.
Coding change: c.754-2A>G on transcript NM_022124.6 (MANE Select); the canonical splice acceptor site of the intron before coding-DNA position 754, A replaced by G.
Molecular consequence: splice acceptor variant.
Genome position (GRCh38, 1-based): chr10:71,577,912, A>G. VCF-style: chr10-71577912-A-G. GRCh37 (hg19) VCF-style: chr10-73337669-A-G.
Other names: c.754-2A>G (NM_001171930.2, NM_001171931.2, NM_052836.4 and 1 more transcripts).
Identifiers: ClinVar variation 1486628 (VCV001486628.7), dbSNP rs2132400338, ClinGen allele CA377115598.